The following is an entry in ClinVar:

ClinVar aggregate classification (germline): Uncertain significance (1 of 4 stars; one submission).

Conditions:
Werner syndrome (WRN). Identifiers: Orphanet 902, MedGen C0043119, MONDO:0010196, OMIM 277700.

Allele frequency attached by ClinVar (database versions not stated): gnomAD exomes 0.00001; ExAC 0.00002; TOPMed 0.00002.

Submission:

Labcorp Genetics (formerly Invitae), Labcorp
Classification: Uncertain significance for Werner syndrome. Last evaluated: 2024-04-22. Review status: criteria provided, single submitter. Criteria: Invitae Variant Classification Sherloc (09022015). Collection method: clinical testing. Allele origin: germline.
Comment: This sequence change replaces isoleucine, which is neutral and non-polar, with valine, which is neutral and non-polar, at codon 340 of the WRN protein (p.Ile340Val). This variant is present in population databases (rs771859604, gnomAD 0.02%). This variant has not been reported in the literature in individuals affected with WRN-related conditions. ClinVar contains an entry for this variant (Variation ID: 1011356). An algorithm developed to predict the effect of missense changes on protein structure and function (PolyPhen-2) suggests that this variant is likely to be tolerated. In summary, the available evidence is currently insufficient to determine the role of this variant in disease. Therefore, it has been classified as a Variant of Uncertain Significance.

NM_000553.6(WRN):c.1018A>G (p.Ile340Val)

Gene: WRN (WRN RecQ like helicase; plus strand). Cytogenetic location: 8p12.
Variant type: single nucleotide variant.
Coding change: c.1018A>G on transcript NM_000553.6 (MANE Select); coding-DNA position 1018, A replaced by G.
Protein change: p.Ile340Val; replaces isoleucine 340 with valine.
Molecular consequence: missense variant.
Genome position (GRCh38, 1-based): chr8:31,081,045, A>G. VCF-style: chr8-31081045-A-G. GRCh37 (hg19) VCF-style: chr8-30938561-A-G.
Other names: short protein forms I340V.
Identifiers: ClinVar variation 1011356 (VCV001011356.4), dbSNP rs771859604, ClinGen allele CA4704237.